The following is an entry in ClinVar:

NM_001458.5(FLNC):c.7606G>A (p.Gly2536Arg)

Genes: FLNC-AS1 (FLNC antisense RNA 1; minus strand), FLNC (filamin C; plus strand). Cytogenetic location: 7q32.1.
Variant type: single nucleotide variant.
Coding change: c.7606G>A on transcript NM_001458.5 (MANE Select); coding-DNA position 7606, G replaced by A.
Protein change: p.Gly2536Arg; replaces glycine 2536 with arginine.
Molecular consequence: missense variant.
Genome position (GRCh38, 1-based): chr7:128,857,162, G>A. VCF-style: chr7-128857162-G-A. GRCh37 (hg19) VCF-style: chr7-128497216-G-A.
Other names: c.7507G>A, p.Gly2503Arg (NM_001127487.2); short protein forms G2536R, G2503R.
Identifiers: ClinVar variation 842515 (VCV000842515.10), dbSNP rs1809100312, ClinGen allele CA369219327.

ClinVar aggregate classification (germline): Uncertain significance (1 of 4 stars; one submission).

Conditions:
Myofibrillar myopathy 5. Also called: Filaminopathy (type); FILAMINOPATHY, AUTOSOMAL DOMINANT. Identifiers: Orphanet 171445, MedGen C1836050, MONDO:0012289, OMIM 609524.
Distal myopathy with posterior leg and anterior hand involvement. Also called: WILLIAMS DISTAL MYOPATHY. Identifiers: Orphanet 63273, MedGen C3279722, MONDO:0013550, OMIM 614065.
Hypertrophic cardiomyopathy 26. Also called: Cardiomyopathy, familial hypertrophic, 26. Identifiers: Orphanet 75249, MedGen C4310749, MONDO:0014883, OMIM 617047.

Submission:

Labcorp Genetics (formerly Invitae), Labcorp
Classification: Uncertain significance for Distal myopathy with posterior leg and anterior hand involvement; Myofibrillar myopathy 5; Hypertrophic cardiomyopathy 26. Last evaluated: 2021-04-10. Review status: criteria provided, single submitter. Criteria: Invitae Variant Classification Sherloc (09022015). Collection method: clinical testing. Allele origin: germline.
Comment: In summary, the available evidence is currently insufficient to determine the role of this variant in disease. Therefore, it has been classified as a Variant of Uncertain Significance. Algorithms developed to predict the effect of missense changes on protein structure and function are either unavailable or do not agree on the potential impact of this missense change (SIFT: "Deleterious"; PolyPhen-2: "Probably Damaging"; Align-GVGD: "Class C15"). This variant has not been reported in the literature in individuals with FLNC-related conditions. This variant is not present in population databases (ExAC no frequency). This sequence change replaces glycine with arginine at codon 2536 of the FLNC protein (p.Gly2536Arg). The glycine residue is highly conserved and there is a moderate physicochemical difference between glycine and arginine.